The following is an entry in ClinVar:

NM_001903.5(CTNNA1):c.1258G>C (p.Ala420Pro)

Gene: CTNNA1 (catenin alpha 1; plus strand). Cytogenetic location: 5q31.2.
Variant type: single nucleotide variant.
Coding change: c.1258G>C on transcript NM_001903.5 (MANE Select); coding-DNA position 1258, G replaced by C.
Protein change: p.Ala420Pro; replaces alanine 420 with proline.
Molecular consequence: missense variant. On other transcripts: 5 prime UTR variant (5), intron variant (2).
Genome position (GRCh38, 1-based): chr5:138,887,604, G>C. VCF-style: chr5-138887604-G-C. GRCh37 (hg19) VCF-style: chr5-138223293-G-C.
Other names: c.1258G>C, p.Ala420Pro (NM_001290307.3, NM_001323982.2, NM_001323983.1 and 3 more transcripts); c.949G>C, p.Ala317Pro (NM_001290309.3); c.889G>C, p.Ala297Pro (NM_001290310.3); c.148G>C, p.Ala50Pro (NM_001290312.1, NM_001323987.1, NM_001323988.1 and 18 more transcripts); c.-250G>C (NM_001324006.1, NM_001324007.1, NM_001324008.1 and 1 more transcripts); c.-125G>C (NM_001324013.1); c.-58+12007G>C (NM_001324012.1); c.-61+12007G>C (NM_001324010.1); short protein forms A420P, A297P, A50P, A317P.
Identifiers: ClinVar variation 2695771 (VCV002695771.3), dbSNP rs2150032834, ClinGen allele CA361133191.

ClinVar aggregate classification (germline): Uncertain significance (1 of 4 stars; one submission).

Submission:

Labcorp Genetics (formerly Invitae), Labcorp
Classification: Uncertain significance. Last evaluated: 2023-11-14. Review status: criteria provided, single submitter. Criteria: Invitae Variant Classification Sherloc (09022015). Collection method: clinical testing. Allele origin: germline.
Comment: This sequence change replaces alanine, which is neutral and non-polar, with proline, which is neutral and non-polar, at codon 420 of the CTNNA1 protein (p.Ala420Pro). This variant is not present in population databases (gnomAD no frequency). This variant has not been reported in the literature in individuals affected with CTNNA1-related conditions. Advanced modeling of protein sequence and biophysical properties (such as structural, functional, and spatial information, amino acid conservation, physicochemical variation, residue mobility, and thermodynamic stability) has been performed at Invitae for this missense variant, however the output from this modeling did not meet the statistical confidence thresholds required to predict the impact of this variant on CTNNA1 protein function. In summary, the available evidence is currently insufficient to determine the role of this variant in disease. Therefore, it has been classified as a Variant of Uncertain Significance.